The following is an entry in ClinVar:

NM_000179.3(MSH6):c.3050A>G (p.Asn1017Ser)

Gene: MSH6 (mutS homolog 6; plus strand). Cytogenetic location: 2p16.3.
Variant type: single nucleotide variant.
Coding change: c.3050A>G on transcript NM_000179.3 (MANE Select); coding-DNA position 3050, A replaced by G.
Protein change: p.Asn1017Ser; replaces asparagine 1017 with serine.
Molecular consequence: missense variant.
Genome position (GRCh38, 1-based): chr2:47,801,033, A>G. VCF-style: chr2-47801033-A-G. GRCh37 (hg19) VCF-style: chr2-48028172-A-G.
Other names: c.2660A>G, p.Asn887Ser (NM_001281492.2); c.2144A>G, p.Asn715Ser (NM_001281493.2, NM_001281494.2, NM_001406811.1 and 6 more transcripts); c.3146A>G, p.Asn1049Ser (NM_001406795.1, NM_001406802.1); c.3050A>G, p.Asn1017Ser (NM_001406796.1, NM_001406798.1, NM_001406800.1 and 2 more transcripts); c.2753A>G, p.Asn918Ser (NM_001406797.1, NM_001406801.1, NM_001406805.1 and 10 more transcripts); c.2525A>G, p.Asn842Ser (NM_001406799.1, NM_001406806.1, NM_001406807.1); c.2972A>G, p.Asn991Ser (NM_001406804.1); c.3056A>G, p.Asn1019Ser (NM_001406813.1); and 2 more; short protein forms N1017S, N1019S, N1049S, N332S, N715S, N842S, N887S, N918S.
Identifiers: ClinVar variation 1706257 (VCV001706257.8), dbSNP rs2104437818, ClinGen allele CA346756501.

ClinVar aggregate classification (germline): Uncertain significance. Review status: criteria provided, multiple submitters, no conflicts (2 of 4 stars). 4 submissions from 4 submitters: Uncertain significance (4). Last evaluated 2023-10-06.

Conditions:
Endometrial carcinoma. Also called: Endometrial carcinoma, somatic. Identifiers: MedGen C0476089, MONDO:0002447, OMIM 608089, HP:0012114.
Hereditary cancer-predisposing syndrome. Also called: Tumor predisposition; Neoplastic Syndromes, Hereditary; Hereditary Cancer Syndrome; Hereditary neoplastic syndrome. Identifiers: Orphanet 140162, MedGen C0027672, MeSH D009386, MONDO:0015356.
Hereditary nonpolyposis colorectal neoplasms. Identifiers: MedGen C0009405, MeSH D003123.

Submissions (4):

Baylor Genetics
Classification: Uncertain significance for Endometrial carcinoma. Last evaluated: 2023-10-06. Review status: criteria provided, single submitter. Criteria: ACMG Guidelines, 2015. Collection method: clinical testing. Allele origin: unknown.

Labcorp Genetics (formerly Invitae), Labcorp
Classification: Uncertain significance for Hereditary nonpolyposis colorectal neoplasms. Last evaluated: 2023-01-20. Review status: criteria provided, single submitter. Criteria: Invitae Variant Classification Sherloc (09022015). Collection method: clinical testing. Allele origin: germline.
Comment: This variant is not present in population databases (gnomAD no frequency). In summary, the available evidence is currently insufficient to determine the role of this variant in disease. Therefore, it has been classified as a Variant of Uncertain Significance. Advanced modeling of protein sequence and biophysical properties (such as structural, functional, and spatial information, amino acid conservation, physicochemical variation, residue mobility, and thermodynamic stability) performed at Invitae indicates that this missense variant is not expected to disrupt MSH6 protein function. ClinVar contains an entry for this variant (Variation ID: 1706257). This variant has not been reported in the literature in individuals affected with MSH6-related conditions. This sequence change replaces asparagine, which is neutral and polar, with serine, which is neutral and polar, at codon 1017 of the MSH6 protein (p.Asn1017Ser).

Ambry Genetics
Classification: Uncertain significance for Hereditary cancer-predisposing syndrome. Last evaluated: 2022-06-20. Review status: criteria provided, single submitter. Criteria: Ambry Variant Classification Scheme 2023. Collection method: clinical testing. Allele origin: germline.
Comment: The p.N1017S variant (also known as c.3050A>G), located in coding exon 4 of the MSH6 gene, results from an A to G substitution at nucleotide position 3050. The asparagine at codon 1017 is replaced by serine, an amino acid with highly similar properties. This amino acid position is conserved. In addition, this alteration is predicted to be tolerated by in silico analysis. Since supporting evidence is limited at this time, the clinical significance of this alteration remains unclear.

GeneDx
Classification: Uncertain significance. Last evaluated: 2022-03-18. Review status: criteria provided, single submitter. Criteria: GeneDx Variant Classification Process June 2021. Collection method: clinical testing. Allele origin: germline. Affected: yes.
Comment: Not observed at significant frequency in large population cohorts (gnomAD); In silico analysis supports that this missense variant does not alter protein structure/function; Has not been previously published as pathogenic or benign to our knowledge; This variant is associated with the following publications: (PMID: 21120944, 17531815)